The following is an entry in ClinVar:

NM_001349253.2(SCN11A):c.89G>A (p.Arg30Gln)

Gene: SCN11A (sodium voltage-gated channel alpha subunit 11; minus strand). Cytogenetic location: 3p22.2.
Variant type: single nucleotide variant.
Coding change: c.89G>A on transcript NM_001349253.2 (MANE Select); coding-DNA position 89, G replaced by A.
Protein change: p.Arg30Gln; replaces arginine 30 with glutamine.
Molecular consequence: missense variant.
Genome position (GRCh38, 1-based): chr3:38,950,274, C>T on the plus strand (G>A on the coding strand, the complement: SCN11A is on the minus strand). VCF-style: chr3-38950274-C-T. GRCh37 (hg19) VCF-style: chr3-38991765-C-T.
Other names: c.89G>A, p.Arg30Gln (NM_014139.3); short protein forms R30Q.
Identifiers: ClinVar variation 1056448 (VCV001056448.10), dbSNP rs775942010, ClinGen allele CA2322781.

ClinVar aggregate classification (germline): Conflicting classifications of pathogenicity. Review status: criteria provided, conflicting classifications (1 of 4 stars). 3 submissions from 3 submitters: Uncertain significance (2); Likely benign (1). Last evaluated 2024-01-06.

Conditions:
Inborn genetic diseases. Identifiers: MedGen C0950123, MeSH D030342.
Hereditary sensory and autonomic neuropathy type 7. Also called: Neuropathy, hereditary sensory and autonomic, type VII; HSAN VII. Identifiers: Orphanet 391397, MedGen C3809882, MONDO:0014244, OMIM 615548.
Familial episodic pain syndrome with predominantly lower limb involvement. Also called: Episodic pain syndrome, familial, 3. Identifiers: Orphanet 391384, Orphanet 391392, MedGen C3809899, MONDO:0014247, OMIM 615552.

Allele frequency attached by ClinVar (database versions not stated): ExAC 0.00002; gnomAD exomes 0.00003; TOPMed 0.00003.
gnomAD v4.1: 15 of 1,613,898 alleles (0.00093%); highest among the groups gnomAD compares: East Asian, 0.016%; no homozygotes.

Submissions (3):

Labcorp Genetics (formerly Invitae), Labcorp
Classification: Uncertain significance for Familial episodic pain syndrome with predominantly lower limb involvement; Hereditary sensory and autonomic neuropathy type 7. Last evaluated: 2024-01-06. Review status: criteria provided, single submitter. Criteria: Invitae Variant Classification Sherloc (09022015). Collection method: clinical testing. Allele origin: germline.
Comment: This sequence change replaces arginine, which is basic and polar, with glutamine, which is neutral and polar, at codon 30 of the SCN11A protein (p.Arg30Gln). This variant is present in population databases (rs775942010, gnomAD 0.04%). This variant has not been reported in the literature in individuals affected with SCN11A-related conditions. ClinVar contains an entry for this variant (Variation ID: 1056448). Advanced modeling of protein sequence and biophysical properties (such as structural, functional, and spatial information, amino acid conservation, physicochemical variation, residue mobility, and thermodynamic stability) performed at Invitae indicates that this missense variant is not expected to disrupt SCN11A protein function with a negative predictive value of 80%. In summary, the available evidence is currently insufficient to determine the role of this variant in disease. Therefore, it has been classified as a Variant of Uncertain Significance.

Revvity Omics, Revvity
Classification: Uncertain significance. Last evaluated: 2020-10-17. Review status: criteria provided, single submitter. Criteria: ACMG Guidelines, 2015. Collection method: clinical testing. Allele origin: germline.

Ambry Genetics
Classification: Likely benign for Inborn genetic diseases. Last evaluated: 2020-06-30. Review status: criteria provided, single submitter. Criteria: Ambry Variant Classification Scheme 2023. Collection method: clinical testing. Allele origin: germline.